The following is an entry in ClinVar:

ClinVar aggregate classification (germline): Uncertain significance (0 of 4 stars; one submission).

Conditions:
PCNT-related disorder. Also called: PCNT-related condition.

gnomAD v4.1: 2 of 1,613,606 alleles (0.00012%); highest among the groups gnomAD compares: Admixed American, 0.0017%; no homozygotes.

Submission:

PreventionGenetics, part of Exact Sciences
Classification: Uncertain significance for PCNT-related condition. Last evaluated: 2024-08-05. Review status: no assertion criteria provided. Collection method: clinical testing. Allele origin: germline.
Comment: The PCNT c.677T>C variant is predicted to result in the amino acid substitution p.Leu226Pro. To our knowledge, this variant has not been reported in the literature. This variant is reported in 0.0029% of alleles in individuals of Latino descent in gnomAD. At this time, the clinical significance of this variant is uncertain due to the absence of conclusive functional and genetic evidence.

NM_006031.6(PCNT):c.677T>C (p.Leu226Pro)

Gene: PCNT (pericentrin; plus strand). Cytogenetic location: 21q22.3.
Variant type: single nucleotide variant.
Coding change: c.677T>C on transcript NM_006031.6 (MANE Select); coding-DNA position 677, T replaced by C.
Protein change: p.Leu226Pro; replaces leucine 226 with proline.
Molecular consequence: missense variant.
Genome position (GRCh38, 1-based): chr21:46,346,165, T>C. VCF-style: chr21-46346165-T-C. GRCh37 (hg19) VCF-style: chr21-47766079-T-C.
Other names: c.323T>C, p.Leu108Pro (NM_001315529.2); short protein forms L108P, L226P.
Identifiers: ClinVar variation 3344856 (VCV003344856.1).